The following is an entry in ClinVar:

NM_000404.4(GLB1):c.775G>T (p.Glu259Ter)

Gene: GLB1 (galactosidase beta 1; minus strand). Cytogenetic location: 3p22.3.
Variant type: single nucleotide variant.
Coding change: c.775G>T on transcript NM_000404.4 (MANE Select); coding-DNA position 775, G replaced by T.
Protein change: p.Glu259Ter; replaces glutamic acid 259 with a stop codon.
Molecular consequence: nonsense.
Genome position (GRCh38, 1-based): chr3:33,053,508, C>A on the plus strand (G>T on the coding strand, the complement: GLB1 is on the minus strand). VCF-style: chr3-33053508-C-A. GRCh37 (hg19) VCF-style: chr3-33095000-C-A.
Other names: c.685G>T, p.Glu229Ter (NM_001079811.3); c.382G>T, p.Glu128Ter (NM_001135602.3); c.919G>T, p.Glu307Ter (NM_001317040.2); short protein forms E128*, E229*, E259*, E307*.
Identifiers: ClinVar variation 983743 (VCV000983743.4), dbSNP rs1699086565, ClinGen allele CA352002661.

ClinVar aggregate classification (germline): Likely pathogenic (1 of 4 stars; one submission).

Conditions:
GLB1-related disorder. Also called: GLB1-related disorders. Identifiers: MedGen CN377807.

Submission:

Myriad Genetics, Inc.
Classification: Likely pathogenic for GLB1-related disorder. Last evaluated: 2020-01-02. Review status: criteria provided, single submitter. Criteria: Myriad Autosomal Dominant, Autosomal Recessive and X-Linked Classification Criteria (2023). Collection method: clinical testing. Allele origin: unknown.
Comment: NM_000404.2(GLB1):c.775G>T(E259*) is expected to be pathogenic in the context of GLB1-related disorders. This variant is predicted to lead to an abnormal or absent protein product due to the creation of a premature termination codon in GLB1, a gene where loss-of-function variants are known to be pathogenic. Please note: this variant was assessed in the context of healthy population screening.